The following is an entry in ClinVar:

NM_001376256.1(CRYM):c.553G>A (p.Val185Ile)

Gene: CRYM (crystallin mu; minus strand). Cytogenetic location: 16p12.2.
Variant type: single nucleotide variant.
Coding change: c.553G>A on transcript NM_001376256.1 (MANE Select); coding-DNA position 553, G replaced by A.
Protein change: p.Val185Ile; replaces valine 185 with isoleucine.
Molecular consequence: missense variant.
Genome position (GRCh38, 1-based): chr16:21,267,674, C>T on the plus strand (G>A on the coding strand, the complement: CRYM is on the minus strand). VCF-style: chr16-21267674-C-T. GRCh37 (hg19) VCF-style: chr16-21278995-C-T.
Other names: c.553G>A, p.Val185Ile (NM_001888.5); short protein forms V185I.
Identifiers: ClinVar variation 3610725 (VCV003610725.2).

ClinVar aggregate classification (germline): Uncertain significance (1 of 4 stars; one submission).

Submission:

Labcorp Genetics (formerly Invitae), Labcorp
Classification: Uncertain significance. Last evaluated: 2024-06-01. Review status: criteria provided, single submitter. Criteria: Invitae Variant Classification Sherloc (09022015). Collection method: clinical testing. Allele origin: germline.
Comment: This sequence change replaces valine, which is neutral and non-polar, with isoleucine, which is neutral and non-polar, at codon 185 of the CRYM protein (p.Val185Ile). This variant is not present in population databases (gnomAD no frequency). This variant has not been reported in the literature in individuals affected with CRYM-related conditions. Advanced modeling of protein sequence and biophysical properties (such as structural, functional, and spatial information, amino acid conservation, physicochemical variation, residue mobility, and thermodynamic stability) performed at Invitae indicates that this missense variant is not expected to disrupt CRYM protein function with a negative predictive value of 80%. In summary, the available evidence is currently insufficient to determine the role of this variant in disease. Therefore, it has been classified as a Variant of Uncertain Significance.